The following is an entry in ClinVar:

NM_032043.3(BRIP1):c.1609C>G (p.Leu537Val)

Gene: BRIP1 (BRCA1 interacting DNA helicase 1; minus strand). Cytogenetic location: 17q23.2.
Variant type: single nucleotide variant.
Coding change: c.1609C>G on transcript NM_032043.3 (MANE Select); coding-DNA position 1609, C replaced by G.
Protein change: p.Leu537Val; replaces leucine 537 with valine.
Molecular consequence: missense variant.
Genome position (GRCh38, 1-based): chr17:61,784,289, G>C on the plus strand (C>G on the coding strand, the complement: BRIP1 is on the minus strand). VCF-style: chr17-61784289-G-C. GRCh37 (hg19) VCF-style: chr17-59861650-G-C.
Other names: short protein forms L537V.
Identifiers: ClinVar variation 219688 (VCV000219688.9), dbSNP rs864622208, ClinGen allele CA350079.

ClinVar aggregate classification (germline): Uncertain significance (1 of 4 stars; one submission).

Conditions:
Fanconi anemia complementation group J. Also called: BRIP1-Related Fanconi Anemia. Identifiers: Orphanet 84, MedGen C1836860, MONDO:0012187, OMIM 609054.
Familial cancer of breast. Also called: hereditary breast carcinoma; Hereditary breast cancer; BREAST CANCER, FAMILIAL. Identifiers: Orphanet 227535, MedGen C0346153, MONDO:0016419, OMIM 114480. Disease mechanism: loss of function.

Submission:

Labcorp Genetics (formerly Invitae), Labcorp
Classification: Uncertain significance for Familial cancer of breast; Fanconi anemia complementation group J. Last evaluated: 2026-01-01. Review status: criteria provided, single submitter. Criteria: Invitae Variant Classification Sherloc (09022015). Collection method: clinical testing. Allele origin: germline.
Comment: This sequence change replaces leucine, which is neutral and non-polar, with valine, which is neutral and non-polar, at codon 537 of the BRIP1 protein (p.Leu537Val). This variant is not present in population databases (gnomAD no frequency). This missense change has been observed in individual(s) with acute myeloid leukemia (PMID: 30998136). ClinVar contains an entry for this variant (Variation ID: 219688). Invitae Evidence Modeling of protein sequence and biophysical properties (such as structural, functional, and spatial information, amino acid conservation, physicochemical variation, residue mobility, and thermodynamic stability) has been performed for this missense variant. However, the output from this modeling did not meet the statistical confidence thresholds required to predict the impact of this variant on BRIP1 protein function. In summary, the available evidence is currently insufficient to determine the role of this variant in disease. Therefore, it has been classified as a Variant of Uncertain Significance.

Literature cited by the submitters: PubMed 30998136.